The following is an entry in ClinVar:

NM_001368894.2(PAX6):c.725-14A>G

Gene: PAX6 (paired box 6; minus strand). Cytogenetic location: 11p13.
Variant type: single nucleotide variant.
Coding change: c.725-14A>G on transcript NM_001368894.2 (MANE Select); 14 bases into the intron before coding-DNA position 725, A replaced by G.
Molecular consequence: intron variant.
Genome position (GRCh38, 1-based): chr11:31,794,128, T>C on the plus strand (A>G on the coding strand, the complement: PAX6 is on the minus strand). VCF-style: chr11-31794128-T-C. GRCh37 (hg19) VCF-style: chr11-31815676-T-C.
Other names: c.275-14A>G (NM_001368908.2, NM_001368901.2, NM_001310161.3 and 11 more transcripts); c.80-14A>G (NM_001368930.2); c.683-14A>G (NM_001310159.1, NM_001127612.3, NM_001368890.2 and 10 more transcripts); c.524-14A>G (NM_001368921.2, NM_001368923.2, NM_001368926.2 and 4 more transcripts); c.725-14A>G (NM_001258462.3, NM_001310158.2, NM_001258463.2 and 6 more transcripts); c.800-14A>G (NM_001368919.2, NM_001368918.2); c.926-14A>G (NM_001368910.2); c.728-14A>G (NM_001368911.2); and 2 more.
Identifiers: ClinVar variation 2928123 (VCV002928123.3), dbSNP rs1418221002, ClinGen allele CA597957074.

ClinVar aggregate classification (germline): Uncertain significance (1 of 4 stars; one submission).

Conditions:
Aniridia 1 (AN1). Identifiers: Orphanet 250923, MedGen C0344542, MONDO:0024507, OMIM 106210.
Irido-corneo-trabecular dysgenesis (ASGD5). Also called: ANTERIOR SEGMENT DYSGENESIS 5. Identifiers: Orphanet 708, MedGen C0344559, MONDO:0011414, OMIM 604229, HP:0000659.

Allele frequency attached by ClinVar (database versions not stated): gnomAD exomes below 0.00001.
gnomAD v4.1: 2 of 1,572,056 alleles (0.00013%); highest among the groups gnomAD compares: Non-Finnish European, 0.00018%; no homozygotes.

Submission:

Labcorp Genetics (formerly Invitae), Labcorp
Classification: Uncertain significance for Aniridia 1; Irido-corneo-trabecular dysgenesis. Last evaluated: 2022-12-31. Review status: criteria provided, single submitter. Criteria: Invitae Variant Classification Sherloc (09022015). Collection method: clinical testing. Allele origin: germline.
Comment: This sequence change falls in intron 8 of the PAX6 gene. It does not directly change the encoded amino acid sequence of the PAX6 protein. This variant is present in population databases (no rsID available, gnomAD 0.0009%). This variant has not been reported in the literature in individuals affected with PAX6-related conditions. Algorithms developed to predict the effect of sequence changes on RNA splicing suggest that this variant may disrupt the consensus splice site. In summary, the available evidence is currently insufficient to determine the role of this variant in disease. Therefore, it has been classified as a Variant of Uncertain Significance.